The following is an entry in ClinVar:

ClinVar aggregate classification (germline): Uncertain significance. Review status: criteria provided, multiple submitters, no conflicts (2 of 4 stars). 3 submissions from 3 submitters: Uncertain significance (2). 1 of the submissions does not count toward it. Last evaluated 2025-04-14.

Conditions:
Agenesis of the corpus callosum with peripheral neuropathy (ACCPN). Also called: POLYNEUROPATHY, SENSORIMOTOR, WITH OR WITHOUT AGENESIS OF THE CORPUS CALLOSUM; Hereditary Motor and Sensory Neuropathy with Agenesis of the Corpus Callosum; HMSN/ACC; CHARLEVOIX DISEASE. Identifiers: Orphanet 1496, MedGen C0795950, MONDO:0000902, OMIM 218000. Disease mechanism: loss of function.

Allele frequency attached by ClinVar (database versions not stated): gnomAD 0.00001; gnomAD exomes 0.00001; TOPMed 0.00003.
gnomAD v4.1: 18 of 1,611,706 alleles (0.0011%); highest among the groups gnomAD compares: Admixed American, 0.0017%; no homozygotes.

Submissions (3):

Labcorp Genetics (formerly Invitae), Labcorp
Classification: Uncertain significance. Last evaluated: 2025-04-14. Review status: criteria provided, single submitter. Criteria: Invitae Variant Classification Sherloc (09022015). Collection method: clinical testing. Allele origin: germline.
Comment: This sequence change replaces threonine, which is neutral and polar, with methionine, which is neutral and non-polar, at codon 486 of the SLC12A6 protein (p.Thr486Met). This variant is present in population databases (rs748315324, gnomAD 0.007%). This variant has not been reported in the literature in individuals affected with SLC12A6-related conditions. ClinVar contains an entry for this variant (Variation ID: 235397). Invitae Evidence Modeling of protein sequence and biophysical properties (such as structural, functional, and spatial information, amino acid conservation, physicochemical variation, residue mobility, and thermodynamic stability) indicates that this missense variant is not expected to disrupt SLC12A6 protein function with a negative predictive value of 80%. In summary, the available evidence is currently insufficient to determine the role of this variant in disease. Therefore, it has been classified as a Variant of Uncertain Significance.

Center for Pediatric Genomic Medicine, Children's Mercy Hospital and Clinics
Classification: Uncertain significance. Last evaluated: 2016-01-21. Review status: criteria provided, single submitter. Criteria: ACMG Guidelines, 2015. Collection method: clinical testing. Allele origin: germline.
ClinVar note: Converted during submission from Uncertain Significance to Uncertain significance.

Natera, Inc.
Classification: Uncertain significance for Andermann syndrome. Last evaluated: 2019-11-11. Review status: no assertion criteria provided. Collection method: clinical testing. Allele origin: germline. Not counted in ClinVar's aggregate classification.

NM_001365088.1(SLC12A6):c.1457C>T (p.Thr486Met)

Gene: SLC12A6 (solute carrier family 12 member 6; minus strand). Cytogenetic location: 15q14.
Variant type: single nucleotide variant.
Coding change: c.1457C>T on transcript NM_001365088.1 (MANE Select); coding-DNA position 1457, C replaced by T.
Protein change: p.Thr486Met; replaces threonine 486 with methionine.
Molecular consequence: missense variant.
Genome position (GRCh38, 1-based): chr15:34,250,934, G>A on the plus strand (C>T on the coding strand, the complement: SLC12A6 is on the minus strand). VCF-style: chr15-34250934-G-A. GRCh37 (hg19) VCF-style: chr15-34543135-G-A.
Other names: c.1280C>T, p.Thr427Met (NM_001042494.2, NM_001042495.2); c.1430C>T, p.Thr477Met (NM_001042496.2); c.1412C>T, p.Thr471Met (NM_001042497.2); c.1304C>T, p.Thr435Met (NM_005135.2); c.1457C>T, p.Thr486Met (NM_133647.2); short protein forms T435M, T486M, T427M, T471M, T477M.
Identifiers: ClinVar variation 235397 (VCV000235397.7), dbSNP rs748315324, ClinGen allele CA7464307.